The following is an entry in ClinVar:

NM_000038.6(APC):c.161G>A (p.Ser54Asn)

Gene: APC (APC regulator of Wnt signaling pathway; plus strand). Cytogenetic location: 5q22.2.
Variant type: single nucleotide variant.
Coding change: c.161G>A on transcript NM_000038.6 (MANE Select); coding-DNA position 161, G replaced by A.
Protein change: p.Ser54Asn; replaces serine 54 with asparagine.
Molecular consequence: missense variant. On other transcripts: 5 prime UTR variant (4).
Genome position (GRCh38, 1-based): chr5:112,766,351, G>A. VCF-style: chr5-112766351-G-A. GRCh37 (hg19) VCF-style: chr5-112102048-G-A.
Other names: c.161G>A, p.Ser54Asn (NM_001127510.3, NM_001354895.2, NM_001354896.2 and 2 more transcripts); c.191G>A, p.Ser64Asn (NM_001127511.3, NM_001354897.2, NM_001354902.2); c.86G>A, p.Ser29Asn (NM_001354898.2, NM_001354904.2); c.-17G>A (NM_001354900.2, NM_001354901.2, NM_001354905.2); c.-875G>A (NM_001354906.2); short protein forms S54N, S29N, S64N.
Identifiers: ClinVar variation 857956 (VCV000857956.14), dbSNP rs1756321078, ClinGen allele CA16021696.

ClinVar aggregate classification (germline): Uncertain significance. Review status: criteria provided, multiple submitters, no conflicts (2 of 4 stars). 2 submissions from 2 submitters: Uncertain significance (2). Last evaluated 2026-01-12.

Conditions:
Familial adenomatous polyposis 1 (FAP1). Also called: FAMILIAL ADENOMATOUS POLYPOSIS 1, ATTENUATED; POLYPOSIS, ADENOMATOUS INTESTINAL. Identifiers: MedGen C2713442, MONDO:0021056, OMIM 175100. Disease mechanism: loss of function.
Hereditary cancer-predisposing syndrome. Also called: Tumor predisposition; Hereditary neoplastic syndrome; Neoplastic Syndromes, Hereditary; Hereditary Cancer Syndrome. Identifiers: Orphanet 140162, MedGen C0027672, MeSH D009386, MONDO:0015356.

Allele frequency attached by ClinVar (database versions not stated): gnomAD exomes below 0.00001.
gnomAD v4.1: 1 of 1,610,496 alleles (0.000062%); highest among the groups gnomAD compares: Non-Finnish European, 0.000085%; no homozygotes.

Submissions (2):

Labcorp Genetics (formerly Invitae), Labcorp
Classification: Uncertain significance for Familial adenomatous polyposis 1. Last evaluated: 2026-01-12. Review status: criteria provided, single submitter. Criteria: Invitae Variant Classification Sherloc (09022015). Collection method: clinical testing. Allele origin: germline.
Comment: This sequence change replaces serine, which is neutral and polar, with asparagine, which is neutral and polar, at codon 54 of the APC protein (p.Ser54Asn). This variant is not present in population databases (gnomAD no frequency). This variant has not been reported in the literature in individuals affected with APC-related conditions. ClinVar contains an entry for this variant (Variation ID: 857956). Invitae Evidence Modeling of protein sequence and biophysical properties (such as structural, functional, and spatial information, amino acid conservation, physicochemical variation, residue mobility, and thermodynamic stability) indicates that this missense variant is not expected to disrupt APC protein function with a negative predictive value of 95%. In summary, the available evidence is currently insufficient to determine the role of this variant in disease. Therefore, it has been classified as a Variant of Uncertain Significance.

Ambry Genetics
Classification: Uncertain significance for Hereditary cancer-predisposing syndrome. Last evaluated: 2025-07-15. Review status: criteria provided, single submitter. Criteria: Ambry Variant Classification Scheme 2023. Collection method: clinical testing. Allele origin: germline.
Comment: The p.S54N variant (also known as c.161G>A), located in coding exon 2 of the APC gene, results from a G to A substitution at nucleotide position 161. The serine at codon 54 is replaced by asparagine, an amino acid with highly similar properties. This amino acid position is well conserved in available vertebrate species. In addition, in silico predictors for this gene do not accurately predict pathogenicity. Missense alterations in APC are not a common cause of disease (Spier I et al. Genet Med. 2024 Feb;26(2):100992). Based on the available evidence, the clinical significance of this variant remains unclear.